The following is an entry in ClinVar:

ClinVar aggregate classification (germline): Uncertain significance (1 of 4 stars; one submission).

Submission:

Labcorp Genetics (formerly Invitae), Labcorp
Classification: Uncertain significance. Last evaluated: 2023-02-23. Review status: criteria provided, single submitter. Criteria: Invitae Variant Classification Sherloc (09022015). Collection method: clinical testing. Allele origin: germline.
Comment: This variant has not been reported in the literature in individuals affected with FH-related conditions. This variant is not present in population databases (gnomAD no frequency). This sequence change replaces lysine, which is basic and polar, with glutamine, which is neutral and polar, at codon 447 of the FH protein (p.Lys447Gln). Advanced modeling of protein sequence and biophysical properties (such as structural, functional, and spatial information, amino acid conservation, physicochemical variation, residue mobility, and thermodynamic stability) performed at Invitae indicates that this missense variant is not expected to disrupt FH protein function. In summary, the available evidence is currently insufficient to determine the role of this variant in disease. Therefore, it has been classified as a Variant of Uncertain Significance.

NM_000143.4(FH):c.1339A>C (p.Lys447Gln)

Gene: FH (fumarate hydratase; minus strand). Cytogenetic location: 1q43.
Variant type: single nucleotide variant.
Coding change: c.1339A>C on transcript NM_000143.4 (MANE Select); coding-DNA position 1339, A replaced by C.
Protein change: p.Lys447Gln; replaces lysine 447 with glutamine.
Molecular consequence: missense variant.
Genome position (GRCh38, 1-based): chr1:241,500,488, T>G on the plus strand (A>C on the coding strand, the complement: FH is on the minus strand). VCF-style: chr1-241500488-T-G. GRCh37 (hg19) VCF-style: chr1-241663788-T-G.
Other names: short protein forms K447Q.
Identifiers: ClinVar variation 2840200 (VCV002840200.3), dbSNP rs863223977, ClinGen allele CA345436506.